The following is an entry in ClinVar:

NM_024675.4(PALB2):c.623A>G (p.Asp208Gly)

Gene: PALB2 (partner and localizer of BRCA2; minus strand). Cytogenetic location: 16p12.2.
Variant type: single nucleotide variant.
Coding change: c.623A>G on transcript NM_024675.4 (MANE Select); coding-DNA position 623, A replaced by G.
Protein change: p.Asp208Gly; replaces aspartic acid 208 with glycine.
Molecular consequence: missense variant. On other transcripts: 5 prime UTR variant (8), intron variant (3).
Genome position (GRCh38, 1-based): chr16:23,635,923, T>C on the plus strand (A>G on the coding strand, the complement: PALB2 is on the minus strand). VCF-style: chr16-23635923-T-C. GRCh37 (hg19) VCF-style: chr16-23647244-T-C.
Other names: c.563A>G, p.Asp188Gly (NM_001407296.1); c.623A>G, p.Asp208Gly (NM_001407297.1, NM_001407298.1, NM_001407299.1 and 3 more transcripts); c.-263A>G (NM_001407304.1, NM_001407305.1, NM_001407306.1 and 5 more transcripts); c.48+5187A>G (NM_001407314.1); c.-105+5187A>G (NM_001407313.1, NM_001407312.1); short protein forms D208G, D188G.
Identifiers: ClinVar variation 2850424 (VCV002850424.5), dbSNP rs1555461702, ClinGen allele CA395136606.

ClinVar aggregate classification (germline): Uncertain significance. Review status: criteria provided, multiple submitters, no conflicts (2 of 4 stars). 3 submissions from 3 submitters: Uncertain significance (3). Last evaluated 2026-07-07.

Conditions:
PALB2-related disorder. Also called: PALB2-related condition; PALB2-related disorders.
Familial cancer of breast. Also called: Hereditary breast cancer; hereditary breast carcinoma; BREAST CANCER, FAMILIAL. Identifiers: Orphanet 227535, MedGen C0346153, MONDO:0016419, OMIM 114480. Disease mechanism: loss of function.
Hereditary cancer-predisposing syndrome. Also called: Hereditary Cancer Syndrome; Hereditary neoplastic syndrome; Neoplastic Syndromes, Hereditary; Tumor predisposition. Identifiers: Orphanet 140162, MedGen C0027672, MeSH D009386, MONDO:0015356.

Submissions (3):

Ambry Genetics
Classification: Uncertain significance for Hereditary cancer-predisposing syndrome. Last evaluated: 2026-07-07. Review status: criteria provided, single submitter. Criteria: Ambry Variant Classification Scheme 2023. Collection method: clinical testing. Allele origin: germline.
Comment: The p.D208G variant (also known as c.623A>G), located in coding exon 4 of the PALB2 gene, results from an A to G substitution at nucleotide position 623. The aspartic acid at codon 208 is replaced by glycine, an amino acid with similar properties. This amino acid position is conserved. In addition, this alteration is predicted to be tolerated by in silico analysis. Based on the available evidence, the clinical significance of this variant remains unclear.

PreventionGenetics, part of Exact Sciences
Classification: Uncertain significance for PALB2-related condition. Last evaluated: 2025-08-07. Review status: criteria provided, single submitter. Criteria: ACMG Guidelines, 2015. Collection method: clinical testing. Allele origin: germline.
Comment: The PALB2 c.623A>G variant is predicted to result in the amino acid substitution p.Asp208Gly. To our knowledge, this variant has not been reported in the literature or in a large population database (gnomAD), indicating this variant is rare. This variant is classified as a variant of uncertain clinical significance in the ClinVar database (Variation ID: 2850424). At this time, the clinical significance of this variant is uncertain due to the absence of conclusive functional and genetic evidence.

Labcorp Genetics (formerly Invitae), Labcorp
Classification: Uncertain significance for Familial cancer of breast. Last evaluated: 2023-03-28. Review status: criteria provided, single submitter. Criteria: Invitae Variant Classification Sherloc (09022015). Collection method: clinical testing. Allele origin: germline.
Comment: In summary, the available evidence is currently insufficient to determine the role of this variant in disease. Therefore, it has been classified as a Variant of Uncertain Significance. Algorithms developed to predict the effect of missense changes on protein structure and function output the following: SIFT: "Not Available"; PolyPhen-2: "Benign"; Align-GVGD: "Not Available". The glycine amino acid residue is found in multiple mammalian species, which suggests that this missense change does not adversely affect protein function. This variant has not been reported in the literature in individuals affected with PALB2-related conditions. This variant is not present in population databases (gnomAD no frequency). This sequence change replaces aspartic acid, which is acidic and polar, with glycine, which is neutral and non-polar, at codon 208 of the PALB2 protein (p.Asp208Gly).